The following is an entry in ClinVar:

NM_007208.4(MRPL3):c.630-2A>G

Gene: MRPL3 (mitochondrial ribosomal protein L3; minus strand). Cytogenetic location: 3q22.1.
Variant type: single nucleotide variant.
Coding change: c.630-2A>G on transcript NM_007208.4 (MANE Select); the canonical splice acceptor site of the intron before coding-DNA position 630, A replaced by G.
Molecular consequence: splice acceptor variant.
Genome position (GRCh38, 1-based): chr3:131,471,281, T>C on the plus strand (A>G on the coding strand, the complement: MRPL3 is on the minus strand). VCF-style: chr3-131471281-T-C. GRCh37 (hg19) VCF-style: chr3-131190125-T-C.
Identifiers: ClinVar variation 4703294 (VCV004703294.1).

ClinVar aggregate classification (germline): Uncertain significance (1 of 4 stars; one submission).

gnomAD v4.1: 4 of 1,597,494 alleles (0.00025%); highest among the groups gnomAD compares: Non-Finnish European, 0.00026%; no homozygotes.

Submission:

Labcorp Genetics (formerly Invitae), Labcorp
Classification: Uncertain significance. Last evaluated: 2025-03-16. Review status: criteria provided, single submitter. Criteria: Invitae Variant Classification Sherloc (09022015). Collection method: clinical testing. Allele origin: germline.
Comment: This sequence change affects an acceptor splice site in intron 6 of the MRPL3 gene. It is expected to disrupt RNA splicing. Variants that disrupt the donor or acceptor splice site typically lead to a loss of protein function (PMID: 16199547), however the current clinical and genetic evidence is not sufficient to establish whether loss-of-function variants in MRPL3 cause disease. This variant is present in population databases (rs748726362, gnomAD 0.0009%). This variant has not been reported in the literature in individuals affected with MRPL3-related conditions. Algorithms developed to predict the effect of sequence changes on RNA splicing suggest that this variant may disrupt the consensus splice site. In summary, the available evidence is currently insufficient to determine the role of this variant in disease. Therefore, it has been classified as a Variant of Uncertain Significance.

Literature cited by the submitters: PubMed 16199547.